The following is an entry in ClinVar:

ClinVar aggregate classification (germline): Uncertain significance. Review status: criteria provided, multiple submitters, no conflicts (2 of 4 stars). 2 submissions from 2 submitters: Uncertain significance (2). Last evaluated 2022-08-16.

Conditions:
Inborn genetic diseases. Identifiers: MedGen C0950123, MeSH D030342.

Allele frequency attached by ClinVar (database versions not stated): gnomAD exomes 0.00003; TOPMed 0.00003; ExAC 0.00003; gnomAD 0.00003.
gnomAD v4.1: 53 of 1,612,104 alleles (0.0033%); highest among the groups gnomAD compares: Middle Eastern, 0.018%; no homozygotes.

Submissions (2):

Labcorp Genetics (formerly Invitae), Labcorp
Classification: Uncertain significance. Last evaluated: 2022-08-16. Review status: criteria provided, single submitter. Criteria: Invitae Variant Classification Sherloc (09022015). Collection method: clinical testing. Allele origin: germline.
Comment: This sequence change replaces isoleucine, which is neutral and non-polar, with leucine, which is neutral and non-polar, at codon 301 of the EFL1 protein (p.Ile301Leu). This variant is present in population databases (rs778406857, gnomAD 0.006%). This variant has not been reported in the literature in individuals affected with EFL1-related conditions. ClinVar contains an entry for this variant (Variation ID: 1383604). Algorithms developed to predict the effect of missense changes on protein structure and function are either unavailable or do not agree on the potential impact of this missense change (SIFT: "Tolerated"; PolyPhen-2: "Not Available"; Align-GVGD: "Class C0"). In summary, the available evidence is currently insufficient to determine the role of this variant in disease. Therefore, it has been classified as a Variant of Uncertain Significance.

Ambry Genetics
Classification: Uncertain significance for Inborn genetic diseases. Last evaluated: 2021-07-27. Review status: criteria provided, single submitter. Criteria: Ambry Variant Classification Scheme 2023. Collection method: clinical testing. Allele origin: germline.

NM_024580.6(EFL1):c.901A>C (p.Ile301Leu)

Genes: EFL1 (elongation factor like GTPase 1; minus strand), LOC129390726 (MPRA-validated peak2402 silencer; plus strand). Cytogenetic location: 15q25.2.
Variant type: single nucleotide variant.
Coding change: c.901A>C on transcript NM_024580.6 (MANE Select); coding-DNA position 901, A replaced by C.
Protein change: p.Ile301Leu; replaces isoleucine 301 with leucine.
Molecular consequence: missense variant. On other transcripts: non-coding transcript variant (1).
Genome position (GRCh38, 1-based): chr15:82,229,065, T>G on the plus strand (A>C on the coding strand, the complement: EFL1 is on the minus strand). VCF-style: chr15-82229065-T-G. GRCh37 (hg19) VCF-style: chr15-82521406-T-G.
Other names: c.748A>C, p.Ile250Leu (NM_001040610.3); c.112A>C, p.Ile38Leu (NM_001322844.2); c.901A>C, p.Ile301Leu (NM_001322845.2); c.901A>C (NM_024580.5); short protein forms I301L, I38L, I250L.
Identifiers: ClinVar variation 1383604 (VCV001383604.6), dbSNP rs778406857, ClinGen allele CA7698153.